The following is an entry in ClinVar:

ClinVar aggregate classification (germline): Conflicting classifications of pathogenicity. Review status: criteria provided, conflicting classifications (1 of 4 stars). 5 submissions from 5 submitters: Uncertain significance (3); Likely benign (2). Last evaluated 2025-12-20.

Conditions:
Myofibrillar myopathy 5. Also called: Filaminopathy (type); FILAMINOPATHY, AUTOSOMAL DOMINANT. Identifiers: Orphanet 171445, MedGen C1836050, MONDO:0012289, OMIM 609524.
Distal myopathy with posterior leg and anterior hand involvement. Also called: WILLIAMS DISTAL MYOPATHY. Identifiers: Orphanet 63273, MedGen C3279722, MONDO:0013550, OMIM 614065.
Hypertrophic cardiomyopathy 26. Also called: Cardiomyopathy, familial hypertrophic, 26. Identifiers: Orphanet 75249, MedGen C4310749, MONDO:0014883, OMIM 617047.
Cardiovascular phenotype. Identifiers: MedGen CN230736.

Allele frequency attached by ClinVar (database versions not stated): gnomAD exomes 0.00002 and 0.00005; ExAC 0.00004; gnomAD 0.00006; TOPMed 0.00007.
gnomAD v4.1: 40 of 1,613,786 alleles (0.0025%); highest among the groups gnomAD compares: Middle Eastern, 0.016%; no homozygotes.

Submissions (5):

Labcorp Genetics (formerly Invitae), Labcorp
Classification: Likely benign for Distal myopathy with posterior leg and anterior hand involvement; Myofibrillar myopathy 5; Hypertrophic cardiomyopathy 26. Last evaluated: 2025-12-20. Review status: criteria provided, single submitter. Criteria: Invitae Variant Classification Sherloc (09022015). Collection method: clinical testing. Allele origin: germline.

Blueprint Genetics
Classification: Likely benign. Last evaluated: 2024-03-25. Review status: criteria provided, single submitter. Criteria: ACMG Guidelines, 2015. Collection method: clinical testing. Allele origin: germline.

Ambry Genetics
Classification: Uncertain significance for Cardiovascular phenotype. Last evaluated: 2023-06-19. Review status: criteria provided, single submitter. Criteria: Ambry Variant Classification Scheme 2023. Collection method: clinical testing. Allele origin: germline.
Comment: The p.S1296L variant (also known as c.3887C>T), located in coding exon 22 of the FLNC gene, results from a C to T substitution at nucleotide position 3887. The serine at codon 1296 is replaced by leucine, an amino acid with dissimilar properties. This amino acid position is highly conserved in available vertebrate species. In addition, this alteration is predicted to be deleterious by in silico analysis. Since supporting evidence is limited at this time, the clinical significance of this alteration remains unclear.

GeneDx
Classification: Uncertain significance. Last evaluated: 2022-03-29. Review status: criteria provided, single submitter. Criteria: GeneDx Variant Classification Process June 2021. Collection method: clinical testing. Allele origin: germline. Affected: yes.
Comment: Has not been previously published as pathogenic or benign to our knowledge; In silico analysis supports that this missense variant has a deleterious effect on protein structure/function

Fulgent Genetics
Classification: Uncertain significance for Myofibrillar myopathy 5; Distal myopathy with posterior leg and anterior hand involvement; Hypertrophic cardiomyopathy 26. Last evaluated: 2021-08-20. Review status: criteria provided, single submitter. Criteria: ACMG Guidelines, 2015. Collection method: clinical testing. Allele origin: unknown.

Literature cited by the submitters: PubMed 26555887 (cited by Ambry Genetics).

NM_001458.5(FLNC):c.3887C>T (p.Ser1296Leu)

Gene: FLNC (filamin C; plus strand). Cytogenetic location: 7q32.1.
Variant type: single nucleotide variant.
Coding change: c.3887C>T on transcript NM_001458.5 (MANE Select); coding-DNA position 3887, C replaced by T.
Protein change: p.Ser1296Leu; replaces serine 1296 with leucine.
Molecular consequence: missense variant.
Genome position (GRCh38, 1-based): chr7:128,846,086, C>T. VCF-style: chr7-128846086-C-T. GRCh37 (hg19) VCF-style: chr7-128486140-C-T.
Other names: c.3887C>T, p.Ser1296Leu (NM_001127487.2); short protein forms S1296L.
Identifiers: ClinVar variation 539361 (VCV000539361.18), dbSNP rs747587140, ClinGen allele CA4475168.